The following is an entry in ClinVar:

NM_004064.5(CDKN1B):c.10G>A (p.Val4Met)

Gene: CDKN1B (cyclin dependent kinase inhibitor 1B; plus strand). Cytogenetic location: 12p13.1.
Variant type: single nucleotide variant.
Coding change: c.10G>A on transcript NM_004064.5 (MANE Select); coding-DNA position 10, G replaced by A.
Protein change: p.Val4Met; replaces valine 4 with methionine.
Molecular consequence: missense variant.
Genome position (GRCh38, 1-based): chr12:12,717,849, G>A. VCF-style: chr12-12717849-G-A. GRCh37 (hg19) VCF-style: chr12-12870783-G-A.
Other names: short protein forms V4M.
Identifiers: ClinVar variation 1792078 (VCV001792078.4), dbSNP rs780124638, ClinGen allele CA383967890.
Genomic context (GRCh38, chr12:12,717,849, plus strand): 5'-TTTGTTTTTTTGAGAGTGCGAGAGAGGCGGTCGTGCAGACCCGGGAGAAAGATGTCAAAC[G>A]TGCGAGTGTCTAACGGGAGCCCTAGCCTGGAGCGGATGGACGCCAGGCAGGCGGAGCACC-3'
Protein context (NP_004055.1, residues 1-14): MSN[Val4Met]RVSNGSPSLE

ClinVar aggregate classification (germline): Uncertain significance. Review status: criteria provided, multiple submitters, no conflicts (2 of 4 stars). 2 submissions from 2 submitters: Uncertain significance (2). Last evaluated 2024-04-07.

Conditions:
Multiple endocrine neoplasia type 4. Also called: MULTIPLE ENDOCRINE NEOPLASIA, TYPE IV. Identifiers: Orphanet 276152, MedGen C1970712, MONDO:0012552, OMIM 610755.
Hereditary cancer-predisposing syndrome. Also called: Neoplastic Syndromes, Hereditary; Tumor predisposition; Hereditary neoplastic syndrome; Hereditary Cancer Syndrome. Identifiers: Orphanet 140162, MedGen C0027672, MeSH D009386, MONDO:0015356.

gnomAD v4.1: 2 of 1,613,118 alleles (0.00012%); highest among the groups gnomAD compares: Non-Finnish European, 0.00017%; no homozygotes.

Submissions (2):

Labcorp Genetics (formerly Invitae), Labcorp
Classification: Uncertain significance for Multiple endocrine neoplasia type 4. Last evaluated: 2024-04-07. Review status: criteria provided, single submitter. Criteria: Invitae Variant Classification Sherloc (09022015). Collection method: clinical testing. Allele origin: germline.
Comment: This sequence change replaces valine, which is neutral and non-polar, with methionine, which is neutral and non-polar, at codon 4 of the CDKN1B protein (p.Val4Met). This variant is not present in population databases (gnomAD no frequency). This variant has not been reported in the literature in individuals affected with CDKN1B-related conditions. ClinVar contains an entry for this variant (Variation ID: 1792078). An algorithm developed to predict the effect of missense changes on protein structure and function (PolyPhen-2) suggests that this variant is likely to be disruptive. In summary, the available evidence is currently insufficient to determine the role of this variant in disease. Therefore, it has been classified as a Variant of Uncertain Significance.

Ambry Genetics
Classification: Uncertain significance for Hereditary cancer-predisposing syndrome. Last evaluated: 2022-06-20. Review status: criteria provided, single submitter. Criteria: Ambry Variant Classification Scheme 2023. Collection method: clinical testing. Allele origin: germline.
Comment: The p.V4M variant (also known as c.10G>A), located in coding exon 1 of the CDKN1B gene, results from a G to A substitution at nucleotide position 10. The valine at codon 4 is replaced by methionine, an amino acid with highly similar properties. This amino acid position is conserved. In addition, the in silico prediction for this alteration is inconclusive. Since supporting evidence is limited at this time, the clinical significance of this alteration remains unclear.